The following is an entry in ClinVar:

ClinVar aggregate classification (germline): Uncertain significance (1 of 4 stars; one submission).

Conditions:
Hereditary hemorrhagic telangiectasia (HHT). Also called: ORW DISEASE; Osler Weber Rendu syndrome; OSLER-RENDU-WEBER DISEASE; Osler hemorrhagic telangiectasia syndrome. Identifiers: Orphanet 774, MedGen C0039445, MONDO:0019180. Disease mechanism: loss of function.

Submission:

Molecular Genetics, Royal Melbourne Hospital
Classification: Uncertain significance for Hereditary hemorrhagic telangiectasia. Last evaluated: 2024-07-26. Review status: criteria provided, single submitter. Criteria: ACMG Guidelines, 2015. Collection method: clinical testing. Allele origin: germline. Affected: yes.
Comment: This sequence change in ACVRL1 is an intronic variant located in intron 8. This variant is absent from the population database gnomAD v2.1 and v3.1. To our knowledge, this variant has not been reported in the literature in any individuals. The results from multiple in silico splicing predictors (SpliceAI, MaxEntScan, NNSplice) indicate that this variant may impact splicing by disrupting the donor splice site of intron 8 of ACVRL1. Based on the classification scheme RMH Modified ACMG Guidelines v1.5.1, this variant is classified as a VARIANT OF UNCERTAIN SIGNIFICANCE. Following criteria are met: PS4_Supporting, PM2_Supporting, PP3.

NM_000020.3(ACVRL1):c.1246+5G>C

Gene: ACVRL1 (activin A receptor like type 1; plus strand). Cytogenetic location: 12q13.13.
Variant type: single nucleotide variant.
Coding change: c.1246+5G>C on transcript NM_000020.3 (MANE Select); 5 bases into the intron after coding-DNA position 1246, G replaced by C.
Molecular consequence: intron variant.
Genome position (GRCh38, 1-based): chr12:51,916,238, G>C. VCF-style: chr12-51916238-G-C. GRCh37 (hg19) VCF-style: chr12-52310022-G-C.
Other names: c.1246+5G>C (NM_001406487.1, NM_001406488.1, NM_001077401.2 and 1 more transcripts); c.934+5G>C (NM_001406491.1, NM_001406490.1, NM_001406492.1 and 1 more transcripts); c.736+738G>C (NM_001406494.1); c.682+5G>C (NM_001406495.1).
Identifiers: ClinVar variation 3773772 (VCV003773772.1).